The following is an entry in ClinVar:

NM_032578.4(MYPN):c.3592A>G (p.Met1198Val)

Gene: MYPN (myopalladin; plus strand). Cytogenetic location: 10q21.3.
Variant type: single nucleotide variant.
Coding change: c.3592A>G on transcript NM_032578.4 (MANE Select); coding-DNA position 3592, A replaced by G.
Protein change: p.Met1198Val; replaces methionine 1198 with valine.
Molecular consequence: missense variant. On other transcripts: non-coding transcript variant (2).
Genome position (GRCh38, 1-based): chr10:68,201,927, A>G. VCF-style: chr10-68201927-A-G. GRCh37 (hg19) VCF-style: chr10-69961684-A-G.
Other names: c.3592A>G, p.Met1198Val (NM_001256267.2); c.2710A>G, p.Met904Val (NM_001256268.2); short protein forms M904V, M1198V.
Identifiers: ClinVar variation 2099047 (VCV002099047.3), dbSNP rs1207681656, ClinGen allele CA376860148.

ClinVar aggregate classification (germline): Uncertain significance (1 of 4 stars; one submission).

Conditions:
Dilated cardiomyopathy 1KK (CMD1KK). Identifiers: Orphanet 154, Orphanet 75249, MedGen C3714995, MONDO:0014100, OMIM 615248.

Allele frequency attached by ClinVar (database versions not stated): gnomAD 0.00001; TOPMed 0.00001.

Submission:

Labcorp Genetics (formerly Invitae), Labcorp
Classification: Uncertain significance for Dilated cardiomyopathy 1KK. Last evaluated: 2022-02-18. Review status: criteria provided, single submitter. Criteria: Invitae Variant Classification Sherloc (09022015). Collection method: clinical testing. Allele origin: germline.
Comment: In summary, the available evidence is currently insufficient to determine the role of this variant in disease. Therefore, it has been classified as a Variant of Uncertain Significance. Algorithms developed to predict the effect of missense changes on protein structure and function are either unavailable or do not agree on the potential impact of this missense change (SIFT: "Tolerated"; PolyPhen-2: "Probably Damaging"; Align-GVGD: "Class C0"). This variant has not been reported in the literature in individuals affected with MYPN-related conditions. This variant is present in population databases (no rsID available, gnomAD 0.01%). This sequence change replaces methionine, which is neutral and non-polar, with valine, which is neutral and non-polar, at codon 1198 of the MYPN protein (p.Met1198Val).